The following is an entry in ClinVar:

NM_030665.4(RAI1):c.5344A>C (p.Ser1782Arg)

Gene: RAI1 (retinoic acid induced 1; plus strand). Cytogenetic location: 17p11.2.
Variant type: single nucleotide variant.
Coding change: c.5344A>C on transcript NM_030665.4 (MANE Select); coding-DNA position 5344, A replaced by C.
Protein change: p.Ser1782Arg; replaces serine 1782 with arginine.
Molecular consequence: missense variant.
Genome position (GRCh38, 1-based): chr17:17,798,292, A>C. VCF-style: chr17-17798292-A-C. GRCh37 (hg19) VCF-style: chr17-17701606-A-C.
Other names: short protein forms S1782R.
Identifiers: ClinVar variation 2120228 (VCV002120228.4), dbSNP rs2543626066, ClinGen allele CA398558965.

ClinVar aggregate classification (germline): Uncertain significance (1 of 4 stars; one submission).

Submission:

Labcorp Genetics (formerly Invitae), Labcorp
Classification: Uncertain significance. Last evaluated: 2024-01-02. Review status: criteria provided, single submitter. Criteria: Invitae Variant Classification Sherloc (09022015). Collection method: clinical testing. Allele origin: germline.
Comment: This sequence change replaces serine, which is neutral and polar, with arginine, which is basic and polar, at codon 1782 of the RAI1 protein (p.Ser1782Arg). This variant is not present in population databases (gnomAD no frequency). This variant has not been reported in the literature in individuals affected with RAI1-related conditions. ClinVar contains an entry for this variant (Variation ID: 2120228). Advanced modeling of protein sequence and biophysical properties (such as structural, functional, and spatial information, amino acid conservation, physicochemical variation, residue mobility, and thermodynamic stability) performed at Invitae indicates that this missense variant is not expected to disrupt RAI1 protein function with a negative predictive value of 80%. In summary, the available evidence is currently insufficient to determine the role of this variant in disease. Therefore, it has been classified as a Variant of Uncertain Significance.